The following is an entry in ClinVar:

ClinVar aggregate classification (germline): Conflicting classifications of pathogenicity. Review status: criteria provided, conflicting classifications (1 of 4 stars). 3 submissions from 3 submitters: Uncertain significance (1); Likely benign (2). Last evaluated 2024-10-07.

Conditions:
Multiple endocrine neoplasia type 4. Also called: MULTIPLE ENDOCRINE NEOPLASIA, TYPE IV. Identifiers: Orphanet 276152, MedGen C1970712, MONDO:0012552, OMIM 610755.
Hereditary cancer-predisposing syndrome. Also called: Neoplastic Syndromes, Hereditary; Hereditary neoplastic syndrome; Tumor predisposition; Hereditary Cancer Syndrome. Identifiers: Orphanet 140162, MedGen C0027672, MeSH D009386, MONDO:0015356.

Allele frequency attached by ClinVar (database versions not stated): gnomAD exomes 0.00001; 1000 Genomes Project 30x 0.00016; 1000 Genomes Project 0.00020; ExAC 0.00001.
gnomAD v4.1: 9 of 1,614,216 alleles (0.00056%); highest among the groups gnomAD compares: South Asian, 0.0066%; no homozygotes.

Submissions (3):

Quest Diagnostics Nichols Institute San Juan Capistrano
Classification: Uncertain significance. Last evaluated: 2024-10-07. Review status: criteria provided, single submitter. Criteria: Quest Diagnostics criteria. Collection method: clinical testing. Allele origin: unknown.
Comment: The CDKN1B c.99C>T (p.Phe33=) synonymous variant has not been reported in individuals with CDKN1B-related conditions in the published literature. The frequency of this variant in the general population, 0.000033 (1/30616 chromosomes (Genome Aggregation Database)), is uninformative in the assessment of its pathogenicity. Analysis of this variant using software algorithms for the prediction of the effect of nucleotide changes on splicing yielded predictions that this variant does not affect CDKN1B mRNA splicing. Based on the available information, we are unable to determine the clinical significance of this variant.

Labcorp Genetics (formerly Invitae), Labcorp
Classification: Likely benign for Multiple endocrine neoplasia type 4. Last evaluated: 2024-04-11. Review status: criteria provided, single submitter. Criteria: Invitae Variant Classification Sherloc (09022015). Collection method: clinical testing. Allele origin: germline.

Ambry Genetics
Classification: Likely benign for Hereditary cancer-predisposing syndrome. Last evaluated: 2023-07-23. Review status: criteria provided, single submitter. Criteria: Ambry Variant Classification Scheme 2023. Collection method: clinical testing. Allele origin: germline.

NM_004064.5(CDKN1B):c.99C>T (p.Phe33=)

Gene: CDKN1B (cyclin dependent kinase inhibitor 1B; plus strand). Cytogenetic location: 12p13.1.
Variant type: single nucleotide variant.
Coding change: c.99C>T on transcript NM_004064.5 (MANE Select); coding-DNA position 99, C replaced by T.
Protein change: p.Phe33=; no amino-acid change (phenylalanine 33 retained).
Molecular consequence: synonymous variant.
Genome position (GRCh38, 1-based): chr12:12,717,938, C>T. VCF-style: chr12-12717938-C-T. GRCh37 (hg19) VCF-style: chr12-12870872-C-T.
Other names: c.99C>T (NM_004064.3, NM_004064.4).
Identifiers: ClinVar variation 1133401 (VCV001133401.12), dbSNP rs201349921, ClinGen allele CA6457377.